The following is an entry in ClinVar:

NM_014714.4(IFT140):c.2369A>T (p.Glu790Val)

Gene: IFT140 (intraflagellar transport 140; minus strand). Cytogenetic location: 16p13.3.
Variant type: single nucleotide variant.
Coding change: c.2369A>T on transcript NM_014714.4 (MANE Select); coding-DNA position 2369, A replaced by T.
Protein change: p.Glu790Val; replaces glutamic acid 790 with valine.
Molecular consequence: missense variant.
Genome position (GRCh38, 1-based): chr16:1,557,965, T>A on the plus strand (A>T on the coding strand, the complement: IFT140 is on the minus strand). VCF-style: chr16-1557965-T-A. GRCh37 (hg19) VCF-style: chr16-1607966-T-A.
Other names: short protein forms E790V.
Identifiers: ClinVar variation 1968344 (VCV001968344.5), dbSNP rs764309826, ClinGen allele CA7813926.

ClinVar aggregate classification (germline): Uncertain significance (1 of 4 stars; one submission).

Conditions:
Saldino-Mainzer syndrome (SRTD9). Also called: Renal dysplasia, retinal pigmentary dystrophy, cerebellar ataxia and skeletal dysplasia; CONORENAL SYNDROME; short-rib thoracic dysplasia 9 with or without polydactyly; SHORT-RIB THORACIC DYSPLASIA 9 WITHOUT POLYDACTYLY. Identifiers: Orphanet 140969, MedGen C1849437, MONDO:0009964, OMIM 266920.

Allele frequency attached by ClinVar (database versions not stated): gnomAD exomes below 0.00001; ExAC 0.00001.
gnomAD v4.1: 1 of 1,613,812 alleles (0.000062%); highest among the groups gnomAD compares: Non-Finnish European, 0.000085%; no homozygotes.

Submission:

Labcorp Genetics (formerly Invitae), Labcorp
Classification: Uncertain significance for Saldino-Mainzer syndrome. Last evaluated: 2023-08-17. Review status: criteria provided, single submitter. Criteria: Invitae Variant Classification Sherloc (09022015). Collection method: clinical testing. Allele origin: germline.
Comment: This sequence change replaces glutamic acid, which is acidic and polar, with valine, which is neutral and non-polar, at codon 790 of the IFT140 protein (p.Glu790Val). This variant is present in population databases (rs764309826, gnomAD 0.0009%). This variant has not been reported in the literature in individuals affected with IFT140-related conditions. ClinVar contains an entry for this variant (Variation ID: 1968344). Advanced modeling of protein sequence and biophysical properties (such as structural, functional, and spatial information, amino acid conservation, physicochemical variation, residue mobility, and thermodynamic stability) has been performed at Invitae for this missense variant, however the output from this modeling did not meet the statistical confidence thresholds required to predict the impact of this variant on IFT140 protein function. In summary, the available evidence is currently insufficient to determine the role of this variant in disease. Therefore, it has been classified as a Variant of Uncertain Significance.